The following is an entry in ClinVar:

NM_152542.5(PPM1K):c.592G>T (p.Gly198Cys)

Gene: PPM1K (protein phosphatase, Mg2+/Mn2+ dependent 1K; minus strand). Cytogenetic location: 4q22.1.
Variant type: single nucleotide variant.
Coding change: c.592G>T on transcript NM_152542.5 (MANE Select); coding-DNA position 592, G replaced by T.
Protein change: p.Gly198Cys; replaces glycine 198 with cysteine.
Molecular consequence: missense variant.
Genome position (GRCh38, 1-based): chr4:88,268,856, C>A on the plus strand (G>T on the coding strand, the complement: PPM1K is on the minus strand). VCF-style: chr4-88268856-C-A. GRCh37 (hg19) VCF-style: chr4-89190008-C-A.
Other names: short protein forms G198C.
Identifiers: ClinVar variation 2721804 (VCV002721804.3), dbSNP rs200078768, ClinGen allele CA3005203.

ClinVar aggregate classification (germline): Uncertain significance (1 of 4 stars; one submission).

Conditions:
Maple syrup urine disease, mild variant (MSUDMV). Identifiers: Orphanet 511, MedGen C3554575, MONDO:0014057, OMIM 615135.

Allele frequency attached by ClinVar (database versions not stated): ExAC 0.00001; TOPMed 0.00002; gnomAD 0.00003.

Submission:

Labcorp Genetics (formerly Invitae), Labcorp
Classification: Uncertain significance for Maple syrup urine disease, mild variant. Last evaluated: 2023-09-03. Review status: criteria provided, single submitter. Criteria: Invitae Variant Classification Sherloc (09022015). Collection method: clinical testing. Allele origin: germline.
Comment: In summary, the available evidence is currently insufficient to determine the role of this variant in disease. Therefore, it has been classified as a Variant of Uncertain Significance. An algorithm developed to predict the effect of missense changes on protein structure and function (PolyPhen-2) suggests that this variant is likely to be disruptive. This variant has not been reported in the literature in individuals affected with PPM1K-related conditions. This variant is present in population databases (rs200078768, gnomAD 0.0009%). This sequence change replaces glycine, which is neutral and non-polar, with cysteine, which is neutral and slightly polar, at codon 198 of the PPM1K protein (p.Gly198Cys).